The following is an entry in ClinVar:

NM_001378.3(DYNC1I2):c.401G>C (p.Gly134Ala)

Gene: DYNC1I2 (dynein cytoplasmic 1 intermediate chain 2; plus strand). Cytogenetic location: 2q31.1.
Variant type: single nucleotide variant.
Coding change: c.401G>C on transcript NM_001378.3 (MANE Select); coding-DNA position 401, G replaced by C.
Protein change: p.Gly134Ala; replaces glycine 134 with alanine.
Molecular consequence: missense variant.
Genome position (GRCh38, 1-based): chr2:171,715,333, G>C. VCF-style: chr2-171715333-G-C. GRCh37 (hg19) VCF-style: chr2-172571843-G-C.
Other names: c.401G>C, p.Gly134Ala (NM_001271785.2); c.377G>C, p.Gly126Ala (NM_001271786.2, NM_001271787.2); c.323G>C, p.Gly108Ala (NM_001271788.2, NM_001271789.2, NM_001271790.2 and 1 more transcripts); c.383G>C, p.Gly128Ala (NM_001320882.2, NM_001320883.2, NM_001378455.1 and 1 more transcripts); short protein forms G126A, G128A, G108A, G134A.
Identifiers: ClinVar variation 4988154 (VCV004988154.1).

ClinVar aggregate classification (germline): Likely benign (1 of 4 stars; one submission).

Conditions:
DYNC1I2-related disorder. Also called: DYNC1I2-related condition.

gnomAD v4.1: 231 of 1,550,152 alleles (0.015%); highest among the groups gnomAD compares: African/African-American, 0.28%; 1 homozygote.

Submission:

PreventionGenetics, part of Exact Sciences
Classification: Likely benign for DYNC1I2-related condition. Last evaluated: 2025-01-05. Review status: criteria provided, single submitter. Criteria: ACMG Guidelines, 2015. Collection method: clinical testing. Allele origin: germline.
Comment: This variant is classified as likely benign based on ACMG/AMP sequence variant interpretation guidelines (Richards et al. 2015 PMID: 25741868, with internal and published modifications).